The following is an entry in ClinVar:

ClinVar aggregate classification (germline): Uncertain significance (1 of 4 stars; one submission).

Conditions:
Arterial tortuosity syndrome (ATORS). Identifiers: Orphanet 3342, MedGen C1859726, MONDO:0008818, OMIM 208050.

Submission:

Labcorp Genetics (formerly Invitae), Labcorp
Classification: Uncertain significance for Arterial tortuosity syndrome. Last evaluated: 2021-07-03. Review status: criteria provided, single submitter. Criteria: Invitae Variant Classification Sherloc (09022015). Collection method: clinical testing. Allele origin: germline.
Comment: This variant has not been reported in the literature in individuals affected with SLC2A10-related conditions. Algorithms developed to predict the effect of missense changes on protein structure and function (SIFT, PolyPhen-2, Align-GVGD) all suggest that this variant is likely to be tolerated. In summary, the available evidence is currently insufficient to determine the role of this variant in disease. Therefore, it has been classified as a Variant of Uncertain Significance. This variant is not present in population databases (ExAC no frequency). This sequence change replaces threonine with serine at codon 472 of the SLC2A10 protein (p.Thr472Ser). The threonine residue is weakly conserved and there is a small physicochemical difference between threonine and serine.

NM_030777.4(SLC2A10):c.1414A>T (p.Thr472Ser)

Gene: SLC2A10 (solute carrier family 2 member 10; plus strand). Cytogenetic location: 20q13.12.
Variant type: single nucleotide variant.
Coding change: c.1414A>T on transcript NM_030777.4 (MANE Select); coding-DNA position 1414, A replaced by T.
Protein change: p.Thr472Ser; replaces threonine 472 with serine.
Molecular consequence: missense variant.
Genome position (GRCh38, 1-based): chr20:46,729,355, A>T. VCF-style: chr20-46729355-A-T. GRCh37 (hg19) VCF-style: chr20-45357994-A-T.
Other names: short protein forms T472S.
Identifiers: ClinVar variation 1507988 (VCV001507988.8), dbSNP rs1600671602, ClinGen allele CA409273058.
Genomic context (GRCh38, chr20:46,729,355, plus strand): 5'-AGGCTGCGGGGCCAGAGTGCTTGGTCCTGGGCCTACACTCCCGCCCTCCTGTTTCCAGGC[A>T]CCATCGGCTTGTCCTGGACCTTCCTGCTCTACGGACTGACCGCTGTCCTCGGCCTGGGCT-3'
Protein context (NP_110404.1, residues 462-482): ISLSFLDLIG[Thr472Ser]IGLSWTFLLY